The following is an entry in ClinVar:

ClinVar aggregate classification (germline): Uncertain significance (1 of 4 stars; one submission).

Allele frequency attached by ClinVar (database versions not stated): gnomAD exomes below 0.00001; TOPMed below 0.00001.
gnomAD v4.1: 1 of 1,567,890 alleles (0.000064%); highest among the groups gnomAD compares: Middle Eastern, 0.017%; no homozygotes.

Submission:

Labcorp Genetics (formerly Invitae), Labcorp
Classification: Uncertain significance. Last evaluated: 2024-01-30. Review status: criteria provided, single submitter. Criteria: Invitae Variant Classification Sherloc (09022015). Collection method: clinical testing. Allele origin: germline.
Comment: This sequence change falls in intron 12 of the DNA2 gene. It does not directly change the encoded amino acid sequence of the DNA2 protein. This variant is not present in population databases (gnomAD no frequency). This variant has not been reported in the literature in individuals affected with DNA2-related conditions. Algorithms developed to predict the effect of sequence changes on RNA splicing suggest that this variant may disrupt the consensus splice site. In summary, the available evidence is currently insufficient to determine the role of this variant in disease. Therefore, it has been classified as a Variant of Uncertain Significance.

NM_001080449.3(DNA2):c.1874-12A>G

Gene: DNA2 (DNA replication helicase/nuclease 2; minus strand). Cytogenetic location: 10q21.3.
Variant type: single nucleotide variant.
Coding change: c.1874-12A>G on transcript NM_001080449.3 (MANE Select); 12 bases into the intron before coding-DNA position 1874, A replaced by G.
Molecular consequence: intron variant.
Genome position (GRCh38, 1-based): chr10:68,431,983, T>C on the plus strand (A>G on the coding strand, the complement: DNA2 is on the minus strand). VCF-style: chr10-68431983-T-C. GRCh37 (hg19) VCF-style: chr10-70191740-T-C.
Identifiers: ClinVar variation 2973428 (VCV002973428.3), dbSNP rs2051828509, ClinGen allele CA653384103.